The following is an entry in ClinVar:

ClinVar aggregate classification (germline): Uncertain significance. Review status: criteria provided, multiple submitters, no conflicts (2 of 4 stars). 4 submissions from 4 submitters: Uncertain significance (3). 1 of the submissions does not count toward it. Last evaluated 2025-01-03.

Conditions:
Inborn genetic diseases. Identifiers: MedGen C0950123, MeSH D030342.
Fanconi anemia (FA). Also called: Fanconi's anemia. Identifiers: Orphanet 84, MedGen C0015625, MeSH D005199, MONDO:0019391.
Fanconi anemia complementation group G. Also called: Fanconi anemia group G; FANCG-Related Fanconi Anemia. Identifiers: Orphanet 84, MedGen C3469527, MONDO:0013565, OMIM 614082.

Allele frequency attached by ClinVar (database versions not stated): gnomAD exomes below 0.00001; gnomAD 0.00001; TOPMed 0.00001.
gnomAD v4.1: 8 of 1,610,634 alleles (0.0005%); highest among the groups gnomAD compares: South Asian, 0.0066%; no homozygotes.

Submissions (4):

Ambry Genetics
Classification: Uncertain significance for Inborn genetic diseases. Last evaluated: 2025-01-03. Review status: criteria provided, single submitter. Criteria: Ambry Variant Classification Scheme 2023. Collection method: clinical testing. Allele origin: germline.
Comment: The p.G408S variant (also known as c.1222G>A), located in coding exon 10 of the FANCG gene, results from a G to A substitution at nucleotide position 1222. The glycine at codon 408 is replaced by serine, an amino acid with similar properties. This amino acid position is conserved. In addition, this alteration is predicted to be tolerated by in silico analysis. Based on the available evidence, the clinical significance of this variant remains unclear.

Labcorp Genetics (formerly Invitae), Labcorp
Classification: Uncertain significance for Fanconi anemia. Last evaluated: 2024-05-06. Review status: criteria provided, single submitter. Criteria: Invitae Variant Classification Sherloc (09022015). Collection method: clinical testing. Allele origin: germline.
Comment: This sequence change replaces glycine, which is neutral and non-polar, with serine, which is neutral and polar, at codon 408 of the FANCG protein (p.Gly408Ser). This variant is present in population databases (rs371171892, gnomAD 0.003%). This variant has not been reported in the literature in individuals affected with FANCG-related conditions. ClinVar contains an entry for this variant (Variation ID: 941647). Advanced modeling of protein sequence and biophysical properties (such as structural, functional, and spatial information, amino acid conservation, physicochemical variation, residue mobility, and thermodynamic stability) performed at Invitae indicates that this missense variant is not expected to disrupt FANCG protein function with a negative predictive value of 80%. In summary, the available evidence is currently insufficient to determine the role of this variant in disease. Therefore, it has been classified as a Variant of Uncertain Significance.

Genetic Services Laboratory, University of Chicago
Classification: Uncertain significance. Last evaluated: 2018-06-05. Review status: criteria provided, single submitter. Criteria: ACMG Guidelines, 2015. Collection method: clinical testing. Allele origin: germline. Affected: no.

Natera, Inc.
Classification: Uncertain significance for Fanconi anemia group G. Last evaluated: 2020-09-29. Review status: no assertion criteria provided. Collection method: clinical testing. Allele origin: germline. Not counted in ClinVar's aggregate classification.

NM_004629.2(FANCG):c.1222G>A (p.Gly408Ser)

Gene: FANCG (FA complementation group G; minus strand). Cytogenetic location: 9p13.3.
Variant type: single nucleotide variant.
Coding change: c.1222G>A on transcript NM_004629.2 (MANE Select); coding-DNA position 1222, G replaced by A.
Protein change: p.Gly408Ser; replaces glycine 408 with serine.
Molecular consequence: missense variant.
Genome position (GRCh38, 1-based): chr9:35,075,676, C>T on the plus strand (G>A on the coding strand, the complement: FANCG is on the minus strand). VCF-style: chr9-35075676-C-T. GRCh37 (hg19) VCF-style: chr9-35075673-C-T.
Other names: short protein forms G408S.
Identifiers: ClinVar variation 941647 (VCV000941647.12), dbSNP rs371171892, ClinGen allele CA192693165.